The following is an entry in ClinVar:

NM_052947.4(ALPK2):c.842C>G (p.Ala281Gly)

Genes: ALPK2 (alpha kinase 2; minus strand), LOC114803473 (ALPK2 eExon liver enhancer; plus strand). Cytogenetic location: 18q21.31.
Variant type: single nucleotide variant.
Coding change: c.842C>G on transcript NM_052947.4 (MANE Select); coding-DNA position 842, C replaced by G.
Protein change: p.Ala281Gly; replaces alanine 281 with glycine.
Molecular consequence: missense variant.
Genome position (GRCh38, 1-based): chr18:58,579,934, G>C on the plus strand (C>G on the coding strand, the complement: ALPK2 is on the minus strand). VCF-style: chr18-58579934-G-C. GRCh37 (hg19) VCF-style: chr18-56247166-G-C.
Other names: short protein forms A281G.
Identifiers: ClinVar variation 1763344 (VCV001763344.3), dbSNP rs886082211, ClinGen allele CA300927432.

ClinVar aggregate classification (germline): Uncertain significance (1 of 4 stars; one submission).

gnomAD v4.1: 2 of 1,614,076 alleles (0.00012%); highest among the groups gnomAD compares: African/African-American, 0.0027%; no homozygotes.

Submission:

Ambry Genetics
Classification: Uncertain significance. Last evaluated: 2024-09-26. Review status: criteria provided, single submitter. Criteria: Ambry Variant Classification Scheme 2023. Collection method: clinical testing. Allele origin: germline.
Comment: The p.A281G variant (also known as c.842C>G), located in coding exon 3 of the ALPK2 gene, results from a C to G substitution at nucleotide position 842. The alanine at codon 281 is replaced by glycine, an amino acid with similar properties. This amino acid position is conserved. In addition, this alteration is predicted to be tolerated by in silico analysis. Since supporting evidence is limited at this time, the clinical significance of this alteration remains unclear.